The following is an entry in ClinVar:

ClinVar aggregate classification (germline): Pathogenic (1 of 4 stars; one submission).

Submission:

GeneDx
Classification: Pathogenic. Last evaluated: 2025-04-14. Review status: criteria provided, single submitter. Criteria: GeneDx Variant Classification Process June 2021. Collection method: clinical testing. Allele origin: germline.
Comment: Frameshift variant predicted to result in protein truncation or nonsense mediated decay in a gene for which loss of function is a known mechanism of disease; Not observed at significant frequency in large population cohorts (gnomAD); Has not been previously published as pathogenic or benign to our knowledge

NM_181552.4(CUX1):c.2942dup (p.Met981fs)

Gene: CUX1 (cut like homeobox 1; plus strand). Cytogenetic location: 7q22.1.
Variant type: Duplication.
Coding change: c.2942dup on transcript NM_181552.4 (MANE Select); coding-DNA position 2942, one base duplicated (T; older notation c.2942dupT).
Protein change: p.Met981fs; shifts the reading frame from methionine 981.
Molecular consequence: frameshift variant. On other transcripts: intron variant (5).
Genome position (GRCh38, 1-based): chr7:102,204,425, T duplicated. VCF-style (leftmost placement, unchanged base first): chr7-102204424-A-AT. GRCh37 (hg19) VCF-style: chr7-101847704-A-AT.
Other names: c.2975dup, p.Met992fs (NM_001202543.2); c.1255+8822dup (NM_001913.5); c.1249+8822dup (NM_181500.4); c.1117+8822dup (NM_001202545.3); c.1207+8822dup (NM_001202544.3); c.1138+8822dup (NM_001202546.3); short protein forms M981fs, M992fs.
Identifiers: ClinVar variation 2499385 (VCV002499385.2), dbSNP rs2485519011, ClinGen allele CA2580076045.